The following is an entry in ClinVar:

ClinVar aggregate classification (germline): Uncertain significance (1 of 4 stars; one submission).

gnomAD v4.1: 1 of 1,613,846 alleles (0.000062%); highest among the groups gnomAD compares: African/African-American, 0.0013%; no homozygotes.

Submission:

Labcorp Genetics (formerly Invitae), Labcorp
Classification: Uncertain significance. Last evaluated: 2025-05-04. Review status: criteria provided, single submitter. Criteria: Invitae Variant Classification Sherloc (09022015). Collection method: clinical testing. Allele origin: germline.
Comment: This sequence change replaces leucine, which is neutral and non-polar, with proline, which is neutral and non-polar, at codon 1030 of the ANKRD26 protein (p.Leu1030Pro). This variant is not present in population databases (gnomAD no frequency). This variant has not been reported in the literature in individuals affected with ANKRD26-related conditions. An algorithm developed to predict the effect of missense changes on protein structure and function (PolyPhen-2) suggests that this variant is likely to be disruptive. In summary, the available evidence is currently insufficient to determine the role of this variant in disease. Therefore, it has been classified as a Variant of Uncertain Significance.

NM_014915.3(ANKRD26):c.3089T>C (p.Leu1030Pro)

Gene: ANKRD26 (ankyrin repeat domain 26; minus strand). Cytogenetic location: 10p12.1.
Variant type: single nucleotide variant.
Coding change: c.3089T>C on transcript NM_014915.3 (MANE Select); coding-DNA position 3089, T replaced by C.
Protein change: p.Leu1030Pro; replaces leucine 1030 with proline.
Molecular consequence: missense variant.
Genome position (GRCh38, 1-based): chr10:27,035,361, A>G on the plus strand (T>C on the coding strand, the complement: ANKRD26 is on the minus strand). VCF-style: chr10-27035361-A-G. GRCh37 (hg19) VCF-style: chr10-27324290-A-G.
Other names: c.3086T>C, p.Leu1029Pro (NM_001256053.2); short protein forms L1029P, L1030P.
Identifiers: ClinVar variation 4718465 (VCV004718465.1).